The following is an entry in ClinVar:

ClinVar aggregate classification (germline): Uncertain significance (1 of 4 stars; one submission).

Submission:

GeneDx
Classification: Uncertain significance. Last evaluated: 2024-04-18. Review status: criteria provided, single submitter. Criteria: GeneDx Variant Classification Process June 2021. Collection method: clinical testing. Allele origin: germline. Affected: yes.
Comment: Has not been previously published as pathogenic or benign to our knowledge; Not observed at significant frequency in large population cohorts (gnomAD); In silico analysis supports that this missense variant has a deleterious effect on protein structure/function

NM_002234.4(KCNA5):c.602G>C (p.Arg201Pro)

Gene: KCNA5 (potassium voltage-gated channel subfamily A member 5; plus strand). Cytogenetic location: 12p13.32.
Variant type: single nucleotide variant.
Coding change: c.602G>C on transcript NM_002234.4 (MANE Select); coding-DNA position 602, G replaced by C.
Protein change: p.Arg201Pro; replaces arginine 201 with proline.
Molecular consequence: missense variant.
Genome position (GRCh38, 1-based): chr12:5,044,749, G>C. VCF-style: chr12-5044749-G-C. GRCh37 (hg19) VCF-style: chr12-5153915-G-C.
Other names: short protein forms R201P.
Identifiers: ClinVar variation 3372723 (VCV003372723.1).
Genomic context (GRCh38, chr12:5,044,749, plus strand): 5'-CCGGGGGCCGCCTGCGGAGGCCGGTCAACGTCTCCCTGGACGTGTTCGCGGACGAGATAC[G>C]CTTCTACCAGCTGGGGGACGAGGCCATGGAGCGCTTCCGCGAGGATGAGGGCTTCATTAA-3'
Protein context (NP_002225.2, residues 191-211): VSLDVFADEI[Arg201Pro]FYQLGDEAME